The following is an entry in ClinVar:

ClinVar aggregate classification (germline): Likely pathogenic (1 of 4 stars; one submission).

Conditions:
Infantile epileptic dyskinetic encephalopathy. Identifiers: Orphanet 364063, MedGen C4552072, MONDO:0018226.

gnomAD v4.1: 5 of 1,613,524 alleles (0.00031%); highest among the groups gnomAD compares: African/African-American, 0.0013%; no homozygotes.

Submission:

Women's Health and Genetics/Laboratory Corporation of America, LabCorp
Classification: Likely pathogenic for Infantile epileptic dyskinetic encephalopathy. Last evaluated: 2026-01-29. Review status: criteria provided, single submitter. Criteria: LabCorp Variant Classification Summary - May 2015. Collection method: clinical testing. Allele origin: germline.
Comment: Variant summary: CAD c.5164C>T (p.Arg1722Trp) results in a non-conservative amino acid change in the encoded protein sequence. Algorithms developed to predict the effect of missense changes on protein structure and function are either unavailable or do not agree on the potential impact of this missense change. The variant was absent in 250438 control chromosomes. c.5164C>T has been observed in an individual affected with clinical features of CAD deficiency (Del Cao-Ochoa_2023). At least one publication reports experimental evidence evaluating an impact on protein function. The variant was found to severely impair CAD activity and de novo pyrimidine synthesis in a complementation assay (Del Cao-Ochoa_2023). Further experiments suggested that this result is likely due to the variant disrupting stabilizing protein interactions. The following publication has been ascertained in the context of this evaluation (PMID: 37540500). No submitters have cited clinical-significance assessments for this variant to ClinVar. Based on the evidence outlined above, the variant was classified as likely pathogenic.

Literature cited by the submitters: PubMed 37540500.

NM_004341.5(CAD):c.5164C>T (p.Arg1722Trp)

Gene: CAD (carbamoyl-phosphate synthetase 2, aspartate transcarbamylase, and dihydroorotase; plus strand). Cytogenetic location: 2p23.3.
Variant type: single nucleotide variant.
Coding change: c.5164C>T on transcript NM_004341.5 (MANE Select); coding-DNA position 5164, C replaced by T.
Protein change: p.Arg1722Trp; replaces arginine 1722 with tryptophan.
Molecular consequence: missense variant.
Genome position (GRCh38, 1-based): chr2:27,239,143, C>T. VCF-style: chr2-27239143-C-T. GRCh37 (hg19) VCF-style: chr2-27462011-C-T.
Other names: c.4975C>T, p.Arg1659Trp (NM_001306079.2); short protein forms R1659W, R1722W.
Identifiers: ClinVar variation 4689095 (VCV004689095.1).
Genomic context (GRCh38, chr2:27,239,143, plus strand): 5'-CCTGGGTTCCCAGGGTTAGAGACCATGCTGCCACTACTCCTGACGGCTGTAAGCGAGGGC[C>T]GGCTCAGCCTGGACGACCTGCTGCAGCGATTGCACCACAATCCTCGGCGCATCTTTCACC-3'
Protein context (NP_004332.2, residues 1712-1732): PLLLTAVSEG[Arg1722Trp]LSLDDLLQRL